The following is an entry in ClinVar:

NM_144997.7(FLCN):c.275A>C (p.His92Pro)

Gene: FLCN (folliculin; minus strand). Cytogenetic location: 17p11.2.
Variant type: single nucleotide variant.
Coding change: c.275A>C on transcript NM_144997.7 (MANE Select); coding-DNA position 275, A replaced by C.
Protein change: p.His92Pro; replaces histidine 92 with proline.
Molecular consequence: missense variant.
Genome position (GRCh38, 1-based): chr17:17,226,297, T>G on the plus strand (A>C on the coding strand, the complement: FLCN is on the minus strand). VCF-style: chr17-17226297-T-G. GRCh37 (hg19) VCF-style: chr17-17129611-T-G.
Other names: c.275A>C, p.His92Pro (NM_001353229.2, NM_001353230.2, NM_001353231.2 and 1 more transcripts); short protein forms H92P.
Identifiers: ClinVar variation 1795651 (VCV001795651.3), dbSNP rs751634275, ClinGen allele CA398534951.
Genomic context (GRCh38, chr17:17,226,297, plus strand): 5'-GGGTGCTGGTGGCTGACGTATTTAATGGAGGTCTCTTTATCATGGCTGATATATCCCGGG[T>G]GCCCTGCAGCAAGTGACCGGCAGCCCTGTCCATGAAAAGGAAAAGTAAATCTGTTAGTTG-3'
Protein context (NP_659434.2, residues 82-102): CEGCRSLAAG[His92Pro]PGYISHDKET

ClinVar aggregate classification (germline): Uncertain significance (1 of 4 stars; one submission).

Conditions:
Hereditary cancer-predisposing syndrome. Also called: Tumor predisposition; Hereditary Cancer Syndrome; Neoplastic Syndromes, Hereditary; Hereditary neoplastic syndrome. Identifiers: Orphanet 140162, MedGen C0027672, MeSH D009386, MONDO:0015356.

Submission:

Ambry Genetics
Classification: Uncertain significance for Hereditary cancer-predisposing syndrome. Last evaluated: 2025-03-19. Review status: criteria provided, single submitter. Criteria: Ambry Variant Classification Scheme 2023. Collection method: clinical testing. Allele origin: germline.
Comment: The p.H92P variant (also known as c.275A>C), located in coding exon 2 of the FLCN gene, results from an A to C substitution at nucleotide position 275. The histidine at codon 92 is replaced by proline, an amino acid with similar properties. This amino acid position is conserved. In addition, this alteration is predicted to be deleterious by in silico analysis. Since supporting evidence is limited at this time, the clinical significance of this alteration remains unclear.